The following is an entry in ClinVar:

ClinVar aggregate classification (germline): Pathogenic (1 of 4 stars; one submission).

Submission:

GeneDx
Classification: Pathogenic. Last evaluated: 2015-06-11. Review status: criteria provided, single submitter. Criteria: GeneDx Variant Classification (06012015). Collection method: clinical testing. Allele origin: germline. Affected: yes.
Comment: The novel P124R variant has not been published as a pathogenic variant, nor has it been reported as a benign polymorphism to our knowledge. The P124R variant was not observed in approximately 6,500 individuals of European and African American ancestry in the NHLBI Exome Sequencing Project, indicating it is not a common benign variant in these populations. The P124R variant is a non-conservative amino acid substitution, which is likely to impact secondary protein structure as these residues differ in polarity, charge, size and/or other properties. In silico analysis predicts this variant is probably damaging to the protein structure/function. Missense variants in this residue (P124Q and P124L) and in nearby residues (G128V, Y130N, Y130H) have been reported in the Human Gene Mutation Database in association with cardio-facio-cutaneous syndrome (Stenson et al., 2014), supporting the functional importance of this region of the protein.

NM_002755.4(MAP2K1):c.371C>G (p.Pro124Arg)

Gene: MAP2K1 (mitogen-activated protein kinase kinase 1; plus strand). Cytogenetic location: 15q22.31.
Variant type: single nucleotide variant.
Coding change: c.371C>G on transcript NM_002755.4 (MANE Select); coding-DNA position 371, C replaced by G.
Protein change: p.Pro124Arg; replaces proline 124 with arginine.
Molecular consequence: missense variant.
Genome position (GRCh38, 1-based): chr15:66,436,825, C>G. VCF-style: chr15-66436825-C-G. GRCh37 (hg19) VCF-style: chr15-66729163-C-G.
Other names: short protein forms P124R.
Identifiers: ClinVar variation 372636 (VCV000372636.1), dbSNP rs397516792, ClinGen allele CA16042967.
Genomic context (GRCh38, chr15:66,436,825, plus strand): 5'-AACCCGCAATCCGGAACCAGATCATAAGGGAGCTGCAGGTTCTGCATGAGTGCAACTCTC[C>G]GTACATCGTGGGCTTCTATGGTGCGTTCTACAGCGATGGCGAGATCAGTATCTGCATGGA-3'
Protein context (NP_002746.1, residues 114-134): ELQVLHECNS[Pro124Arg]YIVGFYGAFY